The following is an entry in ClinVar:

ClinVar aggregate classification (germline): Pathogenic. Review status: criteria provided, multiple submitters, no conflicts (2 of 4 stars). 2 submissions from 2 submitters: Pathogenic (2). Last evaluated 2025-03-25.

Conditions:
Charlevoix-Saguenay spastic ataxia (SACS). Also called: SPASTIC ATAXIA 6, AUTOSOMAL RECESSIVE; AUTOSOMAL RECESSIVE SPASTIC ATAXIA OF CHARLEVOIX-SAGUENAY; Spastic ataxia of Charlevoix-Saguenay. Identifiers: Orphanet 98, MedGen C1849140, MONDO:0010041, OMIM 270550.

Submissions (2):

Myriad Genetics, Inc.
Classification: Pathogenic for Charlevoix-Saguenay spastic ataxia. Last evaluated: 2025-03-25. Review status: criteria provided, single submitter. Criteria: Myriad Autosomal Dominant, Autosomal Recessive and X-Linked Classification Criteria (2023). Collection method: clinical testing. Allele origin: unknown.
Comment: NM_014363.4(SACS):c.6038delT(L2013*) is a frameshift variant classified as pathogenic in the context of autosomal recessive spastic ataxia of Charlevoix-Saguenay. L2013* has not been observed in cases with relevant disease. Relevant functional assessments of this variant are not available in the literature. L2013* has not been observed in referenced population frequency databases. In summary, NM_014363.4(SACS):c.6038delT(L2013*) is a frameshift variant in a gene where loss of function is a known mechanism of disease and is predicted to disrupt protein function. Please note: this variant was assessed in the context of healthy population screening.

Women's Health and Genetics/Laboratory Corporation of America, LabCorp
Classification: Pathogenic for Charlevoix-Saguenay spastic ataxia. Last evaluated: 2025-03-24. Review status: criteria provided, single submitter. Criteria: LabCorp Variant Classification Summary - May 2015. Collection method: clinical testing. Allele origin: germline.
Comment: Variant summary: SACS c.6038delT (p.Leu2013X) results in a premature termination codon, predicted to cause a truncation of the encoded protein or absence of the protein, which are commonly known mechanisms for disease. This variant is not expected to undergo nonsense mediated decay. Variants downstream of this position have been classified Pathogenic by our lab. The variant was absent in 250190 control chromosomes. To our knowledge, no occurrence of c.6038delT in individuals affected with Autosomal Recessive Spastic Ataxia Of Charlevoix-Saguenay and no experimental evidence demonstrating its impact on protein function have been reported. No submitters have cited clinical-significance assessments for this variant to ClinVar. Based on the evidence outlined above, the variant was classified as pathogenic.

NM_014363.6(SACS):c.6038del (p.Phe2012_Leu2013insTer)

Gene: SACS (sacsin molecular chaperone; minus strand). Cytogenetic location: 13q12.12.
Variant type: Deletion.
Coding change: c.6038del on transcript NM_014363.6 (MANE Select); coding-DNA position 6038, one base deleted (T; older notation c.6038delT).
Protein change: p.Phe2012_Leu2013insTer.
Molecular consequence: nonsense.
Genome position (GRCh38, 1-based): chr13:23,337,838, A deleted on the plus strand (T on the coding strand, the reverse complement: SACS is on the minus strand); the first of 5 consecutive A bases (chr13:23,337,838-23,337,842); deleting any one gives the same sequence. VCF-style (leftmost placement, unchanged base first): chr13-23337837-CA-C. GRCh37 (hg19) VCF-style: chr13-23911976-CA-C.
Other names: c.5597del, p.Phe1865_Leu1866insTer (NM_001278055.2); c.6038delT (NM_014363.6).
Identifiers: ClinVar variation 3896001 (VCV003896001.2).